The following is an entry in ClinVar:

ClinVar aggregate classification (germline): Likely pathogenic (1 of 4 stars; one submission).

Conditions:
Wilms tumor 7. Identifiers: MedGen C6065906, MONDO:0979876, OMIM 621332.

Submission:

Diller/Parad Lab, Dana-Farber/Harvard Cancer Center
Classification: Likely pathogenic for Wilms tumor 7. Last evaluated: 2026-05-29. Review status: criteria provided, single submitter. Criteria: ACMG Guidelines, 2015. Collection method: research. Allele origin: germline. Affected: yes.
Comment: It has been classified as Likely Pathogenic using Richards et al (PMID:25741868) based on the following evidence codes: PVS1, PM2.

NM_024426.6(WT1):c.713dup (p.His239fs)

Gene: WT1 (WT1 transcription factor; minus strand). Cytogenetic location: 11p13.
Variant type: Duplication.
Coding change: c.713dup on transcript NM_024426.6 (MANE Select); coding-DNA position 713, one base duplicated (C; older notation c.713dupC).
Protein change: p.His239fs; shifts the reading frame from histidine 239.
Molecular consequence: frameshift variant. On other transcripts: 5 prime UTR variant (1), non-coding transcript variant (2), intron variant (2).
Genome position (GRCh38, 1-based): chr11:32,428,568, G duplicated on the plus strand (C on the coding strand, the reverse complement: WT1 is on the minus strand). VCF-style (leftmost placement, unchanged base first): chr11-32428567-C-CG. GRCh37 (hg19) VCF-style: chr11-32450113-C-CG.
Other names: c.713dup, p.His239fs (NM_000378.6, NM_001407044.1, NM_001407045.1 and 4 more transcripts); c.62dup, p.His22fs (NM_001198551.2, NM_001198552.2); c.-50dup (NM_001407051.1); c.494dup, p.His166fs (NM_001429031.1, NM_001429032.1, NM_001429033.1 and 1 more transcripts); c.662-510dup (NM_001407050.1, NM_001407047.1); short protein forms H166fs, H22fs, H239fs.
Identifiers: ClinVar variation 4884460 (VCV004884460.1).